The following is an entry in ClinVar:

ClinVar aggregate classification (germline): Uncertain significance. Review status: criteria provided, multiple submitters, no conflicts (2 of 4 stars). 3 submissions from 3 submitters: Uncertain significance (3). Last evaluated 2025-06-24.

Conditions:
Hypotrichosis 2 (HYPT2). Also called: HYPOTRICHOSIS SIMPLEX OF THE SCALP 1; HYPOTRICHOSIS, SPANISH TYPE. Identifiers: Orphanet 90368, MedGen C1840299, MONDO:0007805, OMIM 146520.
Inborn genetic diseases. Identifiers: MedGen C0950123, MeSH D030342.

Allele frequency attached by ClinVar (database versions not stated): TOPMed 0.00008; ExAC 0.00011; gnomAD 0.00014 and 0.00015; gnomAD exomes 0.00014 and 0.00018; 1000 Genomes Project 0.00020; 1000 Genomes Project 30x 0.00031.
gnomAD v4.1: 285 of 1,614,148 alleles (0.018%); highest among the groups gnomAD compares: Non-Finnish European, 0.023%; no homozygotes.

Submissions (3):

Ambry Genetics
Classification: Uncertain significance for Inborn genetic diseases. Last evaluated: 2025-06-24. Review status: criteria provided, single submitter. Criteria: Ambry Variant Classification Scheme 2023. Collection method: clinical testing. Allele origin: germline.

Labcorp Genetics (formerly Invitae), Labcorp
Classification: Uncertain significance. Last evaluated: 2023-01-24. Review status: criteria provided, single submitter. Criteria: Invitae Variant Classification Sherloc (09022015). Collection method: clinical testing. Allele origin: germline.
Comment: This sequence change replaces proline, which is neutral and non-polar, with leucine, which is neutral and non-polar, at codon 447 of the CDSN protein (p.Pro447Leu). This variant is present in population databases (rs201876916, gnomAD 0.03%). This variant has not been reported in the literature in individuals affected with CDSN-related conditions. ClinVar contains an entry for this variant (Variation ID: 1027849). Algorithms developed to predict the effect of missense changes on protein structure and function (SIFT, PolyPhen-2, Align-GVGD) all suggest that this variant is likely to be disruptive. In summary, the available evidence is currently insufficient to determine the role of this variant in disease. Therefore, it has been classified as a Variant of Uncertain Significance.

Baylor Genetics
Classification: Uncertain significance for Hypotrichosis 2. Last evaluated: 2019-05-07. Review status: criteria provided, single submitter. Criteria: ACMG Guidelines, 2015. Collection method: clinical testing. Allele origin: paternal. Affected: yes.
Comment: This variant was determined to be of uncertain significance according to ACMG Guidelines, 2015 [PMID:25741868].

NM_001264.5(CDSN):c.1340C>T (p.Pro447Leu)

Genes: CDSN (corneodesmosin; minus strand), PSORS1C1 (psoriasis susceptibility 1 candidate 1; plus strand). Cytogenetic location: 6p21.33.
Variant type: single nucleotide variant.
Coding change: c.1340C>T on transcript NM_001264.5 (MANE Select); coding-DNA position 1340, C replaced by T.
Protein change: p.Pro447Leu; replaces proline 447 with leucine.
Molecular consequence: missense variant. On other transcripts: intron variant (1).
Genome position (GRCh38, 1-based): chr6:31,116,275, G>A on the plus strand (C>T on the coding strand, the complement: CDSN is on the minus strand). VCF-style: chr6-31116275-G-A. GRCh37 (hg19) VCF-style: chr6-31084052-G-A.
Other names: c.-229+1384G>A (NM_014068.3); short protein forms P447L.
Identifiers: ClinVar variation 1027849 (VCV001027849.6), dbSNP rs201876916, ClinGen allele CA3708329.
Genomic context (GRCh38, chr6:31,116,275, plus strand): 5'-AGTGTCAAGGAGGAGACAGACATGCAAGGGTGACCAGAAGAGCTGGACTTGCTGCCACAA[G>A]GCTGAAGGATGATTTTGCCACTGGATTGGGAACTGGAGCTGCTGCTGAAGGAGCCGGTGC-3'
Protein context (NP_001255.4, residues 437-457): SQSSGKIILQ[Pro447Leu]CGSKSSSSGH